The following is an entry in ClinVar:

NM_018139.3(DNAAF2):c.1183G>A (p.Ala395Thr)

Genes: DNAAF2 (dynein axonemal assembly factor 2; minus strand), LOC130055542 (ATAC-STARR-seq lymphoblastoid silent region 5699; plus strand). Cytogenetic location: 14q21.3.
Variant type: single nucleotide variant.
Coding change: c.1183G>A on transcript NM_018139.3 (MANE Select); coding-DNA position 1183, G replaced by A.
Protein change: p.Ala395Thr; replaces alanine 395 with threonine.
Molecular consequence: missense variant. On other transcripts: 5 prime UTR variant (1).
Genome position (GRCh38, 1-based): chr14:49,633,967, C>T on the plus strand (G>A on the coding strand, the complement: DNAAF2 is on the minus strand). VCF-style: chr14-49633967-C-T. GRCh37 (hg19) VCF-style: chr14-50100685-C-T.
Other names: c.1183G>A, p.Ala395Thr (NM_001083908.2); c.-689G>A (NM_001378453.1); c.1183G>A (NM_018139.2); short protein forms A395T.
Identifiers: ClinVar variation 1514475 (VCV001514475.5), dbSNP rs747641713, ClinGen allele CA7172954.
Genomic context (GRCh38, chr14:49,633,967, plus strand): 5'-GGGTGGTGACCCCGGAGCCCGCAGCCCCAGCCACGCAGGTATCGTGGCCTCCGTCCTCCG[C>T]GCGACTCCTCGCGGGTCCCGCCTCCCCCTCGCGAGCGGAAGCGCAGGCCTGGCCGTCAGT-3'
Protein context (NP_060609.2, residues 385-405): EGEAGPARSR[Ala395Thr]EDGGHDTCVA

ClinVar aggregate classification (germline): Uncertain significance. Review status: criteria provided, multiple submitters, no conflicts (2 of 4 stars). 2 submissions from 2 submitters: Uncertain significance (2). Last evaluated 2025-05-28.

Conditions:
Primary ciliary dyskinesia. Also called: Ciliary dyskinesia. Identifiers: Orphanet 244, MedGen C0008780, MONDO:0016575, HP:0012265.

Allele frequency attached by ClinVar (database versions not stated): TOPMed below 0.00001; gnomAD 0.00001; gnomAD exomes 0.00001 and 0.00002; ExAC 0.00013.
gnomAD v4.1: 17 of 1,525,762 alleles (0.0011%); highest among the groups gnomAD compares: Middle Eastern, 0.022%; no homozygotes.

Submissions (2):

Ambry Genetics
Classification: Uncertain significance for Primary ciliary dyskinesia. Last evaluated: 2025-05-28. Review status: criteria provided, single submitter. Criteria: Ambry Variant Classification Scheme 2023. Collection method: clinical testing. Allele origin: germline.

Labcorp Genetics (formerly Invitae), Labcorp
Classification: Uncertain significance for Primary ciliary dyskinesia. Last evaluated: 2021-08-27. Review status: criteria provided, single submitter. Criteria: Invitae Variant Classification Sherloc (09022015). Collection method: clinical testing. Allele origin: germline.
Comment: This sequence change replaces alanine with threonine at codon 395 of the DNAAF2 protein (p.Ala395Thr). The alanine residue is moderately conserved and there is a small physicochemical difference between alanine and threonine. The frequency data for this variant in the population databases is considered unreliable, as metrics indicate poor data quality at this position in the ExAC database. This variant has not been reported in the literature in individuals affected with DNAAF2-related conditions. Algorithms developed to predict the effect of missense changes on protein structure and function output the following: SIFT: "Tolerated"; PolyPhen-2: "Benign"; Align-GVGD: "Class C0". The threonine amino acid residue is found in multiple mammalian species, which suggests that this missense change does not adversely affect protein function. In summary, the available evidence is currently insufficient to determine the role of this variant in disease. Therefore, it has been classified as a Variant of Uncertain Significance.